The following is an entry in ClinVar:

NM_001079866.2(BCS1L):c.1000G>A (p.Val334Ile)

Gene: BCS1L (BCS1 ubiquinol-cytochrome c reductase complex chaperone; plus strand). Cytogenetic location: 2q35.
Variant type: single nucleotide variant.
Coding change: c.1000G>A on transcript NM_001079866.2 (MANE Select); coding-DNA position 1000, G replaced by A.
Protein change: p.Val334Ile; replaces valine 334 with isoleucine.
Molecular consequence: missense variant. On other transcripts: non-coding transcript variant (1).
Genome position (GRCh38, 1-based): chr2:218,662,993, G>A. VCF-style: chr2-218662993-G-A. GRCh37 (hg19) VCF-style: chr2-219527716-G-A.
Other names: c.1000G>A, p.Val334Ile (NM_001257342.2, NM_001257343.2, NM_001257344.2 and 10 more transcripts); c.640G>A, p.Val214Ile (NM_001318836.2, NM_001371451.1); c.499G>A, p.Val167Ile (NM_001371452.1, NM_001371453.1, NM_001371454.1 and 3 more transcripts); short protein forms V167I, V214I, V334I.
Identifiers: ClinVar variation 666656 (VCV000666656.25), dbSNP rs146731467, ClinGen allele CA2109810.

ClinVar aggregate classification (germline): Conflicting classifications of pathogenicity. Review status: criteria provided, conflicting classifications (1 of 4 stars). 8 submissions from 6 submitters: Uncertain significance (4); Likely benign (3). 1 of the submissions does not count toward it. Last evaluated 2026-01-27.

Conditions:
GRACILE syndrome (FLNMS). Also called: FELLMAN SYNDROME; FINNISH LETHAL NEONATAL METABOLIC SYNDROME. Identifiers: Orphanet 53693, MedGen C1864002, MONDO:0011308, OMIM 603358.
Mitochondrial complex III deficiency nuclear type 1. Identifiers: Orphanet 254902, MedGen C3541471, MONDO:0007415, OMIM 124000.
BCS1L-related disorder. Also called: BCS1L-related disorders; BCS1L-related condition. Identifiers: MedGen CN239240.
Leigh syndrome (NULS). Also called: Leigh Syndrome (mtDNA deletion); Leigh Disease; Leigh's syndrome; LEIGH SYNDROME, NUCLEAR; Leigh's necrotizing encephalopathy; Leigh's disease. Identifiers: Orphanet 506, MedGen C2931891, MONDO:0009723, OMIM 256000.

Allele frequency attached by ClinVar (database versions not stated): gnomAD exomes 0.00008 and 0.00024; ExAC 0.00029; 1000 Genomes Project 0.00040; 1000 Genomes Project 30x 0.00047; gnomAD 0.00086; TOPMed 0.00086; ESP Exome Variant Server 0.00092.

Submissions (8):

Labcorp Genetics (formerly Invitae), Labcorp
Classification: Likely benign. Last evaluated: 2026-01-27. Review status: criteria provided, single submitter. Criteria: Invitae Variant Classification Sherloc (09022015). Collection method: clinical testing. Allele origin: germline.

GeneDx
Classification: Uncertain significance. Last evaluated: 2026-01-07. Review status: criteria provided, single submitter. Criteria: GeneDx Variant Classification Process June 2021. Collection method: clinical testing. Allele origin: germline. Affected: yes.
Comment: In silico analysis suggests that this missense variant does not alter protein structure/function; Has not been previously published as pathogenic or benign to our knowledge

PreventionGenetics, part of Exact Sciences
Classification: Likely benign for BCS1L-related condition. Last evaluated: 2025-04-10. Review status: criteria provided, single submitter. Criteria: ACMG Guidelines, 2015. Collection method: clinical testing. Allele origin: germline.
Comment: This variant is classified as likely benign based on ACMG/AMP sequence variant interpretation guidelines (Richards et al. 2015 PMID: 25741868, with internal and published modifications).

Laboratory for Molecular Medicine, Mass General Brigham Personalized Medicine
Classification: Likely benign. Last evaluated: 2018-02-15. Review status: criteria provided, single submitter. Criteria: LMM Criteria. Collection method: clinical testing. Allele origin: germline. Observed: 1 variant allele.
Comment: p.Val334Ile in exon 8 of BCS1L: This variant is not expected to have clinical si gnificance due to a lack of conservation across species (27 species including 9 mammals have Ile at this position). In addition, computational prediction tools do not suggest a high likelihood of impact to the protein. It has also been iden tified in 0.3% (75/23992) of African chromosomes by the Genome Aggregation Datab ase (gnomAD; dbSNP rs146731467). ACMG/AMP Cri teria applied: BS1; BP4_Strong.

Illumina Laboratory Services, Illumina
Classification: Uncertain significance for GRACILE syndrome. Last evaluated: 2018-01-13. Review status: criteria provided, single submitter. Criteria: ICSL Variant Classification Criteria 13 December 2019. Collection method: clinical testing. Allele origin: germline.

Illumina Laboratory Services, Illumina
Classification: Uncertain significance for Mitochondrial complex III deficiency nuclear type 1. Last evaluated: 2018-01-13. Review status: criteria provided, single submitter. Criteria: ICSL Variant Classification Criteria 13 December 2019. Collection method: clinical testing. Allele origin: germline.

Illumina Laboratory Services, Illumina
Classification: Uncertain significance for Leigh syndrome. Last evaluated: 2018-01-13. Review status: criteria provided, single submitter. Criteria: ICSL Variant Classification Criteria 13 December 2019. Collection method: clinical testing. Allele origin: germline.

Natera, Inc.
Classification: Uncertain significance for GRACILE syndrome. Last evaluated: 2020-01-17. Review status: no assertion criteria provided. Collection method: clinical testing. Allele origin: germline. Not counted in ClinVar's aggregate classification.